The following is an entry in ClinVar:

ClinVar aggregate classification (germline): Likely benign. Review status: criteria provided, multiple submitters, no conflicts (2 of 4 stars). 2 submissions from 2 submitters: Likely benign (2). Last evaluated 2026-05-26.

Conditions:
GPC3-related disorder. Also called: GPC3-related condition.
Wilms tumor 1 (WT1). Also called: Wilms tumor, somatic. Identifiers: Orphanet 654, MedGen CN033288, MONDO:0008679, OMIM 194070.

Allele frequency attached by ClinVar (database versions not stated): ExAC 0.00001; gnomAD exomes 0.00001 and 0.00004; TOPMed 0.00005.
gnomAD v4.1: 6 of 1,205,359 alleles (0.0005%); highest among the groups gnomAD compares: Admixed American, 0.013%; no homozygotes.

Submissions (2):

PreventionGenetics, part of Exact Sciences
Classification: Likely benign for GPC3-related condition. Last evaluated: 2026-05-26. Review status: criteria provided, single submitter. Criteria: ACMG Guidelines, 2015. Collection method: clinical testing. Allele origin: germline.
Comment: This variant is classified as likely benign based on ACMG/AMP sequence variant interpretation guidelines (Richards et al. 2015 PMID: 25741868, with internal and published modifications).

Labcorp Genetics (formerly Invitae), Labcorp
Classification: Likely benign for Wilms tumor 1. Last evaluated: 2024-10-01. Review status: criteria provided, single submitter. Criteria: Invitae Variant Classification Sherloc (09022015). Collection method: clinical testing. Allele origin: germline.

NM_004484.4(GPC3):c.1601A>G (p.Asp534Gly)

Gene: GPC3 (glypican 3; minus strand). Cytogenetic location: Xq26.2.
Variant type: single nucleotide variant.
Coding change: c.1601A>G on transcript NM_004484.4 (MANE Select); coding-DNA position 1601, A replaced by G.
Protein change: p.Asp534Gly; replaces aspartic acid 534 with glycine.
Molecular consequence: missense variant.
Genome position (GRCh38, 1-based): chrX:133,536,266, T>C on the plus strand (A>G on the coding strand, the complement: GPC3 is on the minus strand). VCF-style: chrX-133536266-T-C. GRCh37 (hg19) VCF-style: chrX-132670294-T-C.
Other names: c.1670A>G, p.Asp557Gly (NM_001164617.2); c.1553A>G, p.Asp518Gly (NM_001164618.2); c.1439A>G, p.Asp480Gly (NM_001164619.2); short protein forms D534G, D518G, D480G, D557G.
Identifiers: ClinVar variation 543095 (VCV000543095.10), dbSNP rs755823884, ClinGen allele CA10520645.
Genomic context (GRCh38, chrX:133,536,266, plus strand): 5'-TTGTGAAAGGTGCTTATCTCGTTGTCCTTCGGAGTTGCCTGCTGACTGTTTCCAGGCGCA[T>C]CATCCACATCCAGATCATAGGCCAGTTCTGTCAATCAAAAGAGAAGGATTTGAAATGCAA-3'
Protein context (NP_004475.1, residues 524-544): AELAYDLDVD[Asp534Gly]APGNSQQATP